The following is an entry in ClinVar:

ClinVar aggregate classification (germline): Uncertain significance (1 of 4 stars; one submission).

Conditions:
Hereditary cancer-predisposing syndrome. Also called: Neoplastic Syndromes, Hereditary; Tumor predisposition; Hereditary Cancer Syndrome; Hereditary neoplastic syndrome. Identifiers: Orphanet 140162, MedGen C0027672, MeSH D009386, MONDO:0015356.

Submission:

Ambry Genetics
Classification: Uncertain significance for Hereditary cancer-predisposing syndrome. Last evaluated: 2020-03-20. Review status: criteria provided, single submitter. Criteria: Ambry Variant Classification Scheme 2023. Collection method: clinical testing. Allele origin: germline.
Comment: The p.W34G variant (also known as c.100T>G), located in coding exon 1 of the BARD1 gene, results from a T to G substitution at nucleotide position 100. The tryptophan at codon 34 is replaced by glycine, an amino acid with highly dissimilar properties. This amino acid position is highly conserved in available vertebrate species. In addition, this alteration is predicted to be deleterious by in silico analysis. Since supporting evidence is limited at this time, the clinical significance of this alteration remains unclear.

NM_000465.4(BARD1):c.100T>G (p.Trp34Gly)

Gene: BARD1 (BRCA1 associated RING domain 1; minus strand). Cytogenetic location: 2q35.
Variant type: single nucleotide variant.
Coding change: c.100T>G on transcript NM_000465.4 (MANE Select); coding-DNA position 100, T replaced by G.
Protein change: p.Trp34Gly; replaces tryptophan 34 with glycine.
Molecular consequence: missense variant. On other transcripts: non-coding transcript variant (3).
Genome position (GRCh38, 1-based): chr2:214,809,470, A>C on the plus strand (T>G on the coding strand, the complement: BARD1 is on the minus strand). VCF-style: chr2-214809470-A-C. GRCh37 (hg19) VCF-style: chr2-215674194-A-C.
Other names: c.100T>G, p.Trp34Gly (NM_001282543.2, NM_001282545.2, NM_001282548.2 and 1 more transcripts); short protein forms W34G.
Identifiers: ClinVar variation 1798553 (VCV001798553.2), dbSNP rs955904953, ClinGen allele CA350465034.